The following is an entry in ClinVar:

NM_004360.5(CDH1):c.437C>G (p.Ser146Cys)

Gene: CDH1 (cadherin 1; plus strand). Cytogenetic location: 16q22.1.
Variant type: single nucleotide variant.
Coding change: c.437C>G on transcript NM_004360.5 (MANE Select); coding-DNA position 437, C replaced by G.
Protein change: p.Ser146Cys; replaces serine 146 with cysteine.
Molecular consequence: missense variant. On other transcripts: 5 prime UTR variant (2).
Genome position (GRCh38, 1-based): chr16:68,808,473, C>G. VCF-style: chr16-68808473-C-G. GRCh37 (hg19) VCF-style: chr16-68842376-C-G.
Other names: c.437C>G, p.Ser146Cys (NM_001317184.2); c.-1179C>G (NM_001317185.2); c.-1383C>G (NM_001317186.2); short protein forms S146C.
Identifiers: ClinVar variation 522625 (VCV000522625.9), dbSNP rs751425296, ClinGen allele CA8129866.

ClinVar aggregate classification (germline): Uncertain significance. Review status: criteria provided, multiple submitters, no conflicts (2 of 4 stars). 4 submissions from 4 submitters: Uncertain significance (4). Last evaluated 2023-02-24.

Conditions:
Hereditary breast ovarian cancer syndrome. Also called: BRCA1- and BRCA2-Associated Hereditary Breast and Ovarian Cancer; Breast and ovarian cancer; Hereditary breast and/or ovarian cancer syndrome; Hereditary breast and ovarian cancer syndrome; Hereditary breast and ovarian cancer; Hereditary breast and ovarian cancer syndrome (HBOC). Identifiers: Orphanet 145, MedGen C0677776, MeSH D061325, MONDO:0003582. Disease mechanism: loss of function.
CDH1-related diffuse gastric and lobular breast cancer syndrome. Also called: CDH1-related diffuse gastric and lobular breast cancer. Identifiers: MedGen CN311521, MONDO:0100488.
Hereditary cancer-predisposing syndrome. Also called: Neoplastic Syndromes, Hereditary; Hereditary neoplastic syndrome; Tumor predisposition; Hereditary Cancer Syndrome. Identifiers: Orphanet 140162, MedGen C0027672, MeSH D009386, MONDO:0015356.

Allele frequency attached by ClinVar (database versions not stated): gnomAD exomes below 0.00001; ExAC 0.00001.
gnomAD v4.1: 2 of 1,614,150 alleles (0.00012%); highest among the groups gnomAD compares: East Asian, 0.0022%; no homozygotes.

Submissions (4):

Department of Pathology and Laboratory Medicine, Sinai Health System
Classification: Uncertain significance for CDH1-related diffuse gastric and lobular breast cancer syndrome. Last evaluated: 2023-02-24. Review status: criteria provided, single submitter. Criteria: ACMG Guidelines, 2015. Collection method: clinical testing. Allele origin: germline. Affected: no.

Color Diagnostics, LLC DBA Color Health
Classification: Uncertain significance for Hereditary cancer-predisposing syndrome. Last evaluated: 2020-12-08. Review status: criteria provided, single submitter. Criteria: ACMG Guidelines, 2015. Collection method: clinical testing. Allele origin: germline.
Comment: This missense variant replaces serine with cysteine at codon 146 of the CDH1 protein. To our knowledge, functional studies have not been reported for this variant. This variant has not been reported in individuals affected with hereditary cancer in the literature. This variant has not been identified in the general population by the Genome Aggregation Database (gnomAD). The available evidence is insufficient to determine the role of this variant in disease conclusively. Therefore, this variant is classified as a Variant of Uncertain Significance.

Genomic Research Center, Shahid Beheshti University of Medical Sciences
Classification: Uncertain significance for Hereditary breast ovarian cancer syndrome. Last evaluated: 2017-12-03. Review status: criteria provided, single submitter. Criteria: ACMG Guidelines, 2015. Collection method: clinical testing. Allele origin: inherited. Affected: yes.

Ambry Genetics
Classification: Uncertain significance for Hereditary cancer-predisposing syndrome. Last evaluated: 2015-10-28. Review status: criteria provided, single submitter. Criteria: Ambry Variant Classification Scheme 2023. Collection method: clinical testing. Allele origin: germline.
Comment: The p.S146C variant (also known as c.437C>G), located in coding exon 4 of the CDH1 gene, results from a C to G substitution at nucleotide position 437. The serine at codon 146 is replaced by cysteine, an amino acid with dissimilar properties. This variant was not reported in population based cohorts in the following databases: Database of Single Nucleotide Polymorphisms (dbSNP), NHLBI Exome Sequencing Project (ESP), and 1000 Genomes Project. In the ESP, this variant was not observed in 6498 samples (12996 alleles) with coverage at this position. To date, this alteration has been detected with an allele frequency of approximately 0.001% (greater than 175000 alleles tested) in our clinical cohort. This amino acid position is not conserved beyond primates. In addition, this alteration is predicted to be tolerated by in silico analysis. Since supporting evidence is limited at this time, the clinical significance of p.S146C remains unclear.